The following is an entry in ClinVar:

ClinVar aggregate classification (germline): Uncertain significance (1 of 4 stars; one submission).

Allele frequency attached by ClinVar (database versions not stated): gnomAD 0.00001.
gnomAD v4.1: 1 of 1,605,416 alleles (0.000062%); highest among the groups gnomAD compares: Non-Finnish European, 0.000085%; no homozygotes.

Submission:

GeneDx
Classification: Uncertain significance. Last evaluated: 2025-12-31. Review status: criteria provided, single submitter. Criteria: GeneDx Variant Classification Process June 2021. Collection method: clinical testing. Allele origin: germline. Affected: yes.
Comment: Not observed at significant frequency in large population cohorts (gnomAD); In silico analysis supports that this missense variant has a deleterious effect on protein structure/function; Has not been previously published as pathogenic or benign to our knowledge

NM_001003694.2(BRPF1):c.10G>C (p.Asp4His)

Gene: BRPF1 (bromodomain and PHD finger containing 1; plus strand). Cytogenetic location: 3p25.3.
Variant type: single nucleotide variant.
Coding change: c.10G>C on transcript NM_001003694.2 (MANE Select); coding-DNA position 10, G replaced by C.
Protein change: p.Asp4His; replaces aspartic acid 4 with histidine.
Molecular consequence: missense variant. On other transcripts: non-coding transcript variant (1).
Genome position (GRCh38, 1-based): chr3:9,734,150, G>C. VCF-style: chr3-9734150-G-C. GRCh37 (hg19) VCF-style: chr3-9775834-G-C.
Other names: c.10G>C, p.Asp4His (NM_001319049.2, NM_001319050.2, NM_004634.3); short protein forms D4H.
Identifiers: ClinVar variation 1311853 (VCV001311853.4), dbSNP rs2076900114, ClinGen allele CA351678692.